The following is an entry in ClinVar:

Conditions:
Long QT syndrome 5 (LQT5). Identifiers: Orphanet 101016, Orphanet 768, MedGen C1867904, MONDO:0013372, OMIM 613695.

Submission:

Roden Lab, Vanderbilt University Medical Center
No classification provided (evidence only). Condition: Long QT syndrome 5. Review status: no classification provided. Collection method: in vitro. Allele origin: not applicable. Functional consequence: Effect on ion channel function.
ClinVar note: "not provided" was previously submitted as the classification for the variant. However, the classification appeared to be based only on an observation of functional data so it was converted to no classification on 2025-07-30.

NM_000219.6(KCNE1):c.53A>C (p.Gln18Pro)

Gene: KCNE1 (potassium voltage-gated channel subfamily E regulatory subunit 1; minus strand). Cytogenetic location: 21q22.12.
Variant type: single nucleotide variant.
Coding change: c.53A>C on transcript NM_000219.6 (MANE Select); coding-DNA position 53, A replaced by C.
Protein change: p.Gln18Pro; replaces glutamine 18 with proline.
Molecular consequence: missense variant.
Genome position (GRCh38, 1-based): chr21:34,449,582, T>G on the plus strand (A>C on the coding strand, the complement: KCNE1 is on the minus strand). VCF-style: chr21-34449582-T-G. GRCh37 (hg19) VCF-style: chr21-35821880-T-G.
Other names: c.53A>C, p.Gln18Pro (NM_001127668.4, NM_001127669.4, NM_001127670.4 and 4 more transcripts); short protein forms Q18P.
Identifiers: ClinVar variation 3373916 (VCV003373916.2).